The following is an entry in ClinVar:

NM_001267550.2(TTN):c.37543+1G>A

Gene: TTN (titin; minus strand). Cytogenetic location: 2q31.2.
Variant type: single nucleotide variant.
Coding change: c.37543+1G>A on transcript NM_001267550.2 (MANE Select); the canonical splice donor site of the intron after coding-DNA position 37543, G replaced by A.
Molecular consequence: splice donor variant. On other transcripts: intron variant (5).
Genome position (GRCh38, 1-based): chr2:178,658,704, C>T on the plus strand (G>A on the coding strand, the complement: TTN is on the minus strand). VCF-style: chr2-178658704-C-T. GRCh37 (hg19) VCF-style: chr2-179523431-C-T.
Other names: c.13283-16387G>A (NM_003319.4); c.13859-16387G>A (NM_133437.4); c.13658-16387G>A (NM_133432.3); c.31741+301G>A (NM_133378.4); c.34522+301G>A (NM_001256850.1).
Identifiers: ClinVar variation 467083 (VCV000467083.29), dbSNP rs1374931889, ClinGen allele CA349483844.
Genomic context (GRCh38, chr2:178,658,704, plus strand): 5'-GGACACTTCTATACAGTCTTTCCCCAGGGCCCCCCGACTGACAATGTGTAATGATACCTA[C>T]CTTTAGGAGGTGGAGCTTCTGGCTTTTTGGCAGGAGGCACCGGTACTTTCTTTTCTGGGA-3'

ClinVar aggregate classification (germline): Uncertain significance. Review status: criteria provided, multiple submitters, no conflicts (2 of 4 stars). 2 submissions from 2 submitters: Uncertain significance (2). Last evaluated 2023-12-01.

Conditions:
Dilated cardiomyopathy 1G (CMD1G). Identifiers: Orphanet 154, MedGen C1858763, MONDO:0011400, OMIM 604145.
Autosomal recessive limb-girdle muscular dystrophy type 2J (LGMDR10). Also called: Limb-girdle muscular dystrophy, type 2J; MUSCULAR DYSTROPHY, LIMB-GIRDLE, AUTOSOMAL RECESSIVE 10. Identifiers: Orphanet 140922, MedGen C1837342, MONDO:0012127, OMIM 608807.

Allele frequency attached by ClinVar (database versions not stated): gnomAD 0.00002; gnomAD exomes 0.00003.

Submissions (2):

CeGaT Center for Human Genetics Tuebingen
Classification: Uncertain significance. Last evaluated: 2023-12-01. Review status: criteria provided, single submitter. Criteria: CeGaT Center For Human Genetics Tuebingen Variant Classification Criteria Version 2. Collection method: clinical testing. Allele origin: germline. Affected: yes. Observed: 1 variant allele.
Comment: TTN: PM2, PVS1:Moderate

Labcorp Genetics (formerly Invitae), Labcorp
Classification: Uncertain significance for Dilated cardiomyopathy 1G; Autosomal recessive limb-girdle muscular dystrophy type 2J. Last evaluated: 2018-09-07. Review status: criteria provided, single submitter. Criteria: Invitae Variant Classification Sherloc (09022015). Collection method: clinical testing. Allele origin: germline.
Comment: This variant has not been reported in the literature in individuals with a TTN-related disease. This variant identified in the TTN gene is located in the I band of the resulting protein (PMID: 25589632). It is unclear how this variant impacts the function of this protein. In summary, this variant has uncertain impact on TTN function. The available evidence is currently insufficient to determine its role in disease. Therefore, it has been classified as a Variant of Uncertain Significance. While this variant is not present in population databases, the frequency information is unreliable, as metrics indicate poor data quality at this position in the ExAC database. This sequence change affects a donor splice site in intron 183 of the TTN gene. It is expected to disrupt RNA splicing and likely results in an absent or disrupted protein product.

Literature cited by the submitters: PubMed 25589632 (cited by Labcorp Genetics (formerly Invitae), Labcorp).